The following is an entry in ClinVar:

NM_000059.4(BRCA2):c.2562del (p.Asn854fs)

Gene: BRCA2 (BRCA2 DNA repair associated; plus strand). Cytogenetic location: 13q13.1.
Variant type: Deletion.
Coding change: c.2562del on transcript NM_000059.4 (MANE Select); coding-DNA position 2562, one base deleted (C; older notation c.2562delC).
Protein change: p.Asn854fs; shifts the reading frame from asparagine 854.
Molecular consequence: frameshift variant. On other transcripts: non-coding transcript variant (1), intron variant (2).
Genome position (GRCh38, 1-based): chr13:32,336,917, C deleted. VCF-style (leftmost placement, unchanged base first): chr13-32336916-AC-A. GRCh37 (hg19) VCF-style: chr13-32911053-AC-A.
Other names: c.2562del, p.Asn854fs (NM_001406719.1, NM_001406720.1); c.1909+3530del (NM_001406721.1); c.424+5887del (NM_001406722.1); short protein forms N854fs.
Identifiers: ClinVar variation 3072782 (VCV003072782.2), dbSNP rs2548524271, ClinGen allele CA2825002131.

ClinVar aggregate classification (germline): Pathogenic. Review status: criteria provided, multiple submitters, no conflicts (2 of 4 stars). 2 submissions from 2 submitters: Pathogenic (2). Last evaluated 2024-01-16.

Conditions:
Breast-ovarian cancer, familial, susceptibility to, 2 (BROVCA2). Also called: BRCA2 Hereditary Breast and Ovarian Cancer. Identifiers: Orphanet 145, MedGen C2675520, MONDO:0012933, OMIM 612555. Disease mechanism: loss of function.
Hereditary cancer-predisposing syndrome. Also called: Hereditary neoplastic syndrome; Neoplastic Syndromes, Hereditary; Tumor predisposition; Hereditary Cancer Syndrome. Identifiers: Orphanet 140162, MedGen C0027672, MeSH D009386, MONDO:0015356.

Submissions (2):

Color Diagnostics, LLC DBA Color Health
Classification: Pathogenic for Hereditary cancer-predisposing syndrome. Last evaluated: 2024-01-16. Review status: criteria provided, single submitter. Criteria: ACMG Guidelines, 2015. Collection method: clinical testing. Allele origin: germline.
Comment: This variant deletes 1 nucleotide in exon 11 of the BRCA2 gene, creating a frameshift and premature translation stop signal. This variant is expected to result in an absent or non-functional protein product. To our knowledge, this variant has not been reported in individuals affected with BRCA2-related disorders in the literature. This variant has not been identified in the general population by the Genome Aggregation Database (gnomAD). Loss of BRCA2 function is a known mechanism of disease. Based on the available evidence, this variant is classified as Pathogenic.

All of Us Research Program, National Institutes of Health
Classification: Pathogenic for Breast-ovarian cancer, familial, susceptibility to, 2. Last evaluated: 2023-11-14. Review status: criteria provided, single submitter. Criteria: ACMG Guidelines, 2015. Collection method: clinical testing. Allele origin: germline. Inheritance: Autosomal dominant inheritance. Observed: 1 variant allele, 1 heterozygote.
Comment: The c.2562del (p.Asn854Lysfs*4) variant in the BRCA2 gene is located on the exon 11 and is predicted to shift of reading frame that introduces a premature translation termination codon (p.Asn854Lysfs*4), resulting in an absent or disrupted protein product. Loss-of-function variants of BRCA2 are known to be pathogenic (PMID: 8988179, 11897832, 29446198). The variant is not reported in ClinVar. The other loss-of-function variants in this region of BRCA2 (p.Gln850*, p.Thr855fs) have been interpreted as pathogenic by the expert panel (ClinVar ID: 254503, 51307). This variant is absent in the general population database (gnomAD). Therefore, the c.2562del (p.Asn854Lysfs*4) variant of BRCA2 has been classified as pathogenic.

This study involves interpretation of variants in research participants for the purpose of population health screening. Participant phenotype was not available at the time of variant classification. Additional details can be found in publication PMID: 35346344, PMCID: PMC8962531

Literature cited by the submitters: PubMed 8988179 (cited by All of Us Research Program, National Institutes of Health); PubMed 11897832 (cited by All of Us Research Program, National Institutes of Health); PubMed 29446198 (cited by All of Us Research Program, National Institutes of Health).